The following is an entry in ClinVar:

NM_006796.3(AFG3L2):c.2252C>A (p.Ala751Glu)

Genes: AFG3L2 (AFG3 like matrix AAA peptidase subunit 2; minus strand), TUBB6 (tubulin beta 6 class V; plus strand). Cytogenetic location: 18p11.21.
Variant type: single nucleotide variant.
Coding change: c.2252C>A on transcript NM_006796.3 (MANE Select); coding-DNA position 2252, C replaced by A.
Protein change: p.Ala751Glu; replaces alanine 751 with glutamic acid.
Molecular consequence: missense variant. On other transcripts: 3 prime UTR variant (1).
Genome position (GRCh38, 1-based): chr18:12,329,707, G>T on the plus strand (C>A on the coding strand, the complement: AFG3L2 is on the minus strand). VCF-style: chr18-12329707-G-T. GRCh37 (hg19) VCF-style: chr18-12329706-G-T.
Other names: p.Ala751Glu; c.*524G>T (NM_001303525.2); short protein forms A751E.
Identifiers: ClinVar variation 3380540 (VCV003380540.1).
Genomic context (GRCh38, chr18:12,329,707, plus strand): 5'-GAGGTGTCCTCATCCAAGCTGCCAGTGCCTTCCACAAATTCTTCATAGGTAGATTTTTCC[G>T]CAAATGGTCTGGGGCCCAAAAGTTCAACCATATCATTCTTATCTAATACTTCTTTTTCTA-3'
Protein context (NP_006787.2, residues 741-761): MVELLGPRPF[Ala751Glu]EKSTYEEFVE

ClinVar aggregate classification (germline): Uncertain significance (1 of 4 stars; one submission).

gnomAD v4.1: 4 of 1,614,128 alleles (0.00025%); highest among the groups gnomAD compares: Non-Finnish European, 0.00034%; no homozygotes.

Submission:

Mayo Clinic Laboratories, Mayo Clinic
Classification: Uncertain significance. Last evaluated: 2023-09-12. Review status: criteria provided, single submitter. Criteria: ACMG Guidelines, 2015. Collection method: clinical testing. Allele origin: germline. Observed: 1 variant allele.
Comment: BP4, PM2_moderate